The following is an entry in ClinVar:

ClinVar aggregate classification (germline): Pathogenic. Review status: criteria provided, multiple submitters, no conflicts (2 of 4 stars). 6 submissions from 6 submitters: Pathogenic (6). Last evaluated 2026-07-20.

Conditions:
Cardiomyopathy (CMYO). Also called: Cardiomyopathies. Identifiers: Orphanet 167848, MedGen C0878544, MONDO:0004994, HP:0001638. Inheritance: Various modes of inheritance.
Hypertrophic cardiomyopathy 4. Also called: Familial hypertrophic cardiomyopathy 4. Identifiers: MedGen C1861862, MONDO:0007268, OMIM 115197.
Hypertrophic cardiomyopathy. Also called: HYPERTROPHIC MYOCARDIOPATHY. Identifiers: Orphanet 217569, MedGen C0007194, MeSH D002312, MONDO:0005045, HP:0001639.

Allele frequency attached by ClinVar (database versions not stated): gnomAD exomes below 0.00001.

Submissions (6):

Institute of Human Genetics, University of Leipzig Medical Center
Classification: Pathogenic for Hypertrophic cardiomyopathy 4. Last evaluated: 2026-07-20. Review status: criteria provided, single submitter. Criteria: ACMG Guidelines, 2015. Collection method: clinical testing. Allele origin: unknown. Inheritance: Autosomal dominant inheritance. Affected: yes.
Comment: Criteria applied: PVS1,PS4,PM2_SUP

Labcorp Genetics (formerly Invitae), Labcorp
Classification: Pathogenic for Hypertrophic cardiomyopathy. Last evaluated: 2025-10-21. Review status: criteria provided, single submitter. Criteria: Invitae Variant Classification Sherloc (09022015). Collection method: clinical testing. Allele origin: germline.
Comment: This sequence change creates a premature translational stop signal (p.Thr343Metfs*7) in the MYBPC3 gene. It is expected to result in an absent or disrupted protein product. Loss-of-function variants in MYBPC3 are known to be pathogenic (PMID: 19574547). This variant is not present in population databases (gnomAD no frequency). This premature translational stop signal has been observed in individual(s) with hypertrophic cardiomyopathy (PMID: 12974739). This variant is also known as delC343. ClinVar contains an entry for this variant (Variation ID: 181114). For these reasons, this variant has been classified as Pathogenic.

AiLife Diagnostics
Classification: Pathogenic. Last evaluated: 2021-05-16. Review status: criteria provided, single submitter. Criteria: ACMG Guidelines, 2015. Collection method: clinical testing. Allele origin: germline. Affected: yes. Observed: 2 variant alleles.

GeneDx
Classification: Pathogenic. Last evaluated: 2021-04-16. Review status: criteria provided, single submitter. Criteria: GeneDx Variant Classification Process June 2021. Collection method: clinical testing. Allele origin: germline. Affected: yes.
Comment: Reported in ClinVar as a pathogenic variant (ClinVar Variant ID#181114; Landrum et al., 2016); Not observed in large population cohorts (Lek et al., 2016); Frameshift variant predicted to result in protein truncation or nonsense mediated decay in a gene for which loss-of-function is a known mechanism of disease; This variant is associated with the following publications: (PMID: 29121657, 20474083, 12974739, 31737537)

Color Diagnostics, LLC DBA Color Health
Classification: Pathogenic for Cardiomyopathy. Last evaluated: 2019-11-24. Review status: criteria provided, single submitter. Criteria: ACMG Guidelines, 2015. Collection method: clinical testing. Allele origin: germline.
Comment: This variant deletes 1 nucleotide in exon 12 of the MYBPC3 gene, creating a frameshift and premature translation stop signal. This variant is expected to result in an absent or non-functional protein product. Splice site prediction tools suggest that this variant may not impact RNA splicing. To our knowledge, functional studies have not been performed for this variant. This variant has been reported in an individual affected with hypertrophic cardiomyopathy (PMID: 12974739). This variant has not been identified in the general population by the Genome Aggregation Database (gnomAD). Loss of MYBPC3 function is a known mechanism of disease. Based on the available evidence, this variant is classified as Pathogenic.

Laboratory for Molecular Medicine, Mass General Brigham Personalized Medicine
Classification: Pathogenic for Hypertrophic cardiomyopathy. Last evaluated: 2019-10-14. Review status: criteria provided, single submitter. Criteria: ACMG Guidelines, 2015. Collection method: clinical testing. Allele origin: germline.
Comment: The p.Thr343MetfsX7 variant in MYBPC3 has been identified in at least 3 individuals with HCM (Erdmann 2003, Viswanathan 2017, Marian 2018, Marschall 2019). It was absent from large population studies but has been reported in ClinVar (Variation ID 181114). This variant is predicted to cause a frameshift, which alters the protein’s amino acid sequence beginning at position 343 and leads to a premature termination codon 7 amino acids downstream. This alteration is then predicted to lead to a truncated or absent protein. Loss of function of the MYBPC3 gene is an established disease mechanism in autosomal dominant HCM. In summary, this variant meets criteria to be classified as pathogenic for autosomal dominant HCM. ACMG/AMP criteria applied: PVS1, PM2, PS4_Supporting.

Literature cited by the submitters: PubMed 19574547 (cited by Labcorp Genetics (formerly Invitae), Labcorp); PubMed 12974739 (cited by 3 submitters); PubMed 29121657 (cited by AiLife Diagnostics and Laboratory for Molecular Medicine, Mass General Brigham Personalized Medicine); PubMed 29540445 (cited by Laboratory for Molecular Medicine, Mass General Brigham Personalized Medicine).

NM_000256.3(MYBPC3):c.1028del (p.Thr343fs)

Gene: MYBPC3 (myosin binding protein C3; minus strand). Cytogenetic location: 11p11.2.
Variant type: Deletion.
Coding change: c.1028del on transcript NM_000256.3 (MANE Select); coding-DNA position 1028, one base deleted (C; older notation c.1028delC).
Protein change: p.Thr343fs; shifts the reading frame from threonine 343.
Molecular consequence: frameshift variant.
Genome position (GRCh38, 1-based): chr11:47,346,269, G deleted on the plus strand (C on the coding strand, the reverse complement: MYBPC3 is on the minus strand). VCF-style (leftmost placement, unchanged base first): chr11-47346268-AG-A. GRCh37 (hg19) VCF-style: chr11-47367819-AG-A.
Other names: c.1028delC (NM_000256.3); c.1028del, p.Thr343fs (LRG_386t1); short protein forms T343fs.
Identifiers: ClinVar variation 181114 (VCV000181114.19), dbSNP rs730880686, ClinGen allele CA009708.